The following is an entry in ClinVar:

NM_007294.4(BRCA1):c.5192_5193del (p.Glu1731fs)

Gene: BRCA1 (BRCA1 DNA repair associated; minus strand). Cytogenetic location: 17q21.31.
Variant type: Deletion.
Coding change: c.5192_5193del on transcript NM_007294.4 (MANE Select); coding-DNA positions 5192 to 5193, 2 bases deleted (AG; older notation c.5192_5193delAG).
Protein change: p.Glu1731fs; shifts the reading frame from glutamic acid 1731.
Molecular consequence: frameshift variant.
Genome position (GRCh38, 1-based): chr17:43,063,333-43,063,334, CT deleted on the plus strand (AG on the coding strand, the reverse complement: BRCA1 is on the minus strand); deleting any 2 consecutive bases within chr17:43,063,333-43,063,335 gives the same sequence; the c. name uses the placement nearest the transcript's 3' end. VCF-style (leftmost placement, unchanged base first): chr17-43063332-CCT-C. GRCh37 (hg19) VCF-style: chr17-41215349-CCT-C.
Other names: c.5192_5193del, p.Glu1731fs (NM_001407593.1, NM_001407594.1, NM_001407596.1 and 7 more transcripts); c.1763_1764del, p.Glu588fs (NM_001408423.1, NM_001408424.1, NM_001408421.1 and 1 more transcripts); c.5063_5064del, p.Glu1688fs (NM_001407941.1, NM_001407681.1, NM_001407682.1 and 6 more transcripts); c.5051_5052del, p.Glu1684fs (NM_001407942.1, NM_001407692.1, NM_001407694.1 and 13 more transcripts); c.5048_5049del, p.Glu1683fs (NM_001407943.1, NM_001407944.1, NM_001407945.1 and 21 more transcripts); c.1760_1761del, p.Glu587fs (NM_001408425.1, NM_001408426.1, NM_001408427.1 and 4 more transcripts); c.1757_1758del, p.Glu586fs (NM_001408438.1, NM_001408439.1, NM_001408432.1 and 10 more transcripts); c.5189_5190del, p.Glu1730fs (NM_001407616.1, NM_001407618.1, NM_001407615.1 and 17 more transcripts); and 73 more; short protein forms E1562fs, E1602fs, E1618fs, E1619fs, E1620fs, E1643fs, E1659fs, E1661fs.
Identifiers: ClinVar variation 3992588 (VCV003992588.1).

ClinVar aggregate classification (germline): Pathogenic (1 of 4 stars; one submission).

Conditions:
Hereditary cancer-predisposing syndrome. Also called: Tumor predisposition; Hereditary neoplastic syndrome; Neoplastic Syndromes, Hereditary; Hereditary Cancer Syndrome. Identifiers: Orphanet 140162, MedGen C0027672, MeSH D009386, MONDO:0015356.

Submission:

Ambry Genetics
Classification: Pathogenic for Hereditary cancer-predisposing syndrome. Last evaluated: 2025-03-26. Review status: criteria provided, single submitter. Criteria: Ambry Variant Classification Scheme 2023. Collection method: clinical testing. Allele origin: germline.
Comment: The c.5192_5193delAG pathogenic mutation, located in coding exon 17 of the BRCA1 gene, results from a deletion of two nucleotides at nucleotide positions 5192 to 5193, causing a translational frameshift with a predicted alternate stop codon (p.E1731Afs*2). This variant is considered to be rare based on population cohorts in the Genome Aggregation Database (gnomAD). This alteration is expected to result in loss of function by premature protein truncation or nonsense-mediated mRNA decay. As such, this alteration is interpreted as a disease-causing mutation.